The following is an entry in ClinVar:

ClinVar aggregate classification (germline): Likely pathogenic. Review status: criteria provided, multiple submitters, no conflicts (2 of 4 stars). 4 submissions from 4 submitters: Likely pathogenic (4). Last evaluated 2026-03-24.

Conditions:
Autosomal recessive limb-girdle muscular dystrophy type 2Y (MRRSDC). Also called: Muscular dystrophy, limb-girdle, type 2y; Muscular dystrophy, autosomal recessive, with rigid spine and distal joint contractures. Identifiers: Orphanet 424261, MedGen C4511482, MONDO:0014900, OMIM 617072.

Allele frequency attached by ClinVar (database versions not stated): gnomAD exomes below 0.00001; TOPMed 0.00001; ExAC 0.00002.

Submissions (4):

GeneDx
Classification: Likely pathogenic. Last evaluated: 2026-03-24. Review status: criteria provided, single submitter. Criteria: GeneDx Variant Classification Process June 2021. Collection method: clinical testing. Allele origin: germline.
Comment: Not observed at significant frequency in large population cohorts (gnomAD); Nonsense variant predicted to result in protein truncation as the last 263 amino acids are lost; This variant is associated with the following publications: (PMID: 34560421, 30723199)

Revvity Omics, Revvity
Classification: Likely pathogenic. Last evaluated: 2024-06-21. Review status: criteria provided, single submitter. Criteria: ACMG Guidelines, 2015. Collection method: clinical testing. Allele origin: germline.

Genome-Nilou Lab
Classification: Likely pathogenic for Autosomal recessive limb-girdle muscular dystrophy type 2Y. Last evaluated: 2023-04-11. Review status: criteria provided, single submitter. Criteria: ACMG Guidelines, 2015. Collection method: clinical testing. Allele origin: germline. Affected: no.

Hadassah Hebrew University Medical Center
Classification: Likely pathogenic for Autosomal recessive limb-girdle muscular dystrophy type 2Y. Last evaluated: 2019-06-20. Review status: criteria provided, single submitter. Criteria: ACMG Guidelines, 2015. Collection method: clinical testing. Allele origin: germline. Inheritance: Autosomal recessive inheritance. Affected: yes.

NM_015602.4(TOR1AIP1):c.961C>T (p.Arg321Ter)

Gene: TOR1AIP1 (torsin 1A interacting protein 1; plus strand). Cytogenetic location: 1q25.2.
Variant type: single nucleotide variant.
Coding change: c.961C>T on transcript NM_015602.4 (MANE Select); coding-DNA position 961, C replaced by T.
Protein change: p.Arg321Ter; replaces arginine 321 with a stop codon.
Molecular consequence: nonsense.
Genome position (GRCh38, 1-based): chr1:179,914,051, C>T. VCF-style: chr1-179914051-C-T. GRCh37 (hg19) VCF-style: chr1-179883186-C-T.
Other names: c.964C>T, p.Arg322Ter (NM_001267578.2); c.964C>T (NM_001267578.1); short protein forms R321*, R322*.
Identifiers: ClinVar variation 804380 (VCV000804380.6), dbSNP rs11581962, ClinGen allele CA1269054.